The following is an entry in ClinVar:

ClinVar aggregate classification (germline): Likely benign (0 of 4 stars; one submission).

Conditions:
MYH10-related disorder. Also called: MYH10-related condition.

Allele frequency attached by ClinVar (database versions not stated): TOPMed 0.00019; gnomAD 0.00023; gnomAD exomes 0.00029; ESP Exome Variant Server 0.00046; ExAC 0.00050.
gnomAD v4.1: 443 of 1,612,176 alleles (0.027%); highest among the groups gnomAD compares: South Asian, 0.15%; 2 homozygotes.

Submission:

PreventionGenetics, part of Exact Sciences
Classification: Likely benign for MYH10-related condition. Last evaluated: 2019-06-06. Review status: no assertion criteria provided. Collection method: clinical testing. Allele origin: germline.
Comment: This variant is classified as likely benign based on ACMG/AMP sequence variant interpretation guidelines (Richards et al. 2015 PMID: 25741868, with internal and published modifications).

NM_001256012.3(MYH10):c.1164G>A (p.Ala388=)

Gene: MYH10 (myosin heavy chain 10; minus strand). Cytogenetic location: 17p13.1.
Variant type: single nucleotide variant.
Coding change: c.1164G>A on transcript NM_001256012.3 (MANE Select); coding-DNA position 1164, G replaced by A.
Protein change: p.Ala388=; no amino-acid change (alanine 388 retained).
Molecular consequence: synonymous variant.
Genome position (GRCh38, 1-based): chr17:8,546,658, C>T on the plus strand (G>A on the coding strand, the complement: MYH10 is on the minus strand). VCF-style: chr17-8546658-C-T. GRCh37 (hg19) VCF-style: chr17-8449976-C-T.
Other names: c.1161G>A, p.Ala387= (NM_001256095.2); c.1164G>A, p.Ala388= (NM_001375266.1); c.1134G>A, p.Ala378= (NM_005964.5).
Identifiers: ClinVar variation 3043867 (VCV003043867.2), dbSNP rs148333895, ClinGen allele CA8377946.